The following is an entry in ClinVar:

ClinVar aggregate classification (germline): Benign/Likely benign. Review status: criteria provided, multiple submitters, no conflicts (2 of 4 stars). 12 submissions from 12 submitters: Benign (3); Likely benign (9). Last evaluated 2026-09-01.

Conditions:
Hereditary nonpolyposis colorectal neoplasms. Identifiers: MedGen C0009405, MeSH D003123.
Hereditary cancer-predisposing syndrome. Also called: Hereditary neoplastic syndrome; Tumor predisposition; Neoplastic Syndromes, Hereditary; Hereditary Cancer Syndrome. Identifiers: Orphanet 140162, MedGen C0027672, MeSH D009386, MONDO:0015356.
Lynch syndrome. Identifiers: Orphanet 144, MedGen C4552100, MONDO:0005835. Disease mechanism: loss of function.
Lynch syndrome 4 (LYNCH4). Also called: Colorectal cancer, hereditary nonpolyposis, type 4; Hereditary non-polyposis colorectal cancer, type 4. Identifiers: Orphanet 144, MedGen C1838333, MONDO:0013699, OMIM 614337. Disease mechanism: loss of function.

Allele frequency attached by ClinVar (database versions not stated): 1000 Genomes Project 0.00040; ExAC 0.00045; 1000 Genomes Project 30x 0.00047; TOPMed 0.00010; gnomAD 0.00011 and 0.00012; gnomAD exomes 0.00013 and 0.00025.
gnomAD v4.1: 206 of 1,613,824 alleles (0.013%); highest among the groups gnomAD compares: East Asian, 0.1%; no homozygotes.

Submissions (12):

CeGaT Center for Human Genetics Tuebingen
Classification: Likely benign. Last evaluated: 2026-09-01. Review status: criteria provided, single submitter. Criteria: CeGaT Center For Human Genetics Tuebingen Variant Classification Criteria Version 2. Collection method: clinical testing. Allele origin: germline. Affected: yes. Observed: 21 variant alleles.
Comment: PMS2: BP4, BP7

Labcorp Genetics (formerly Invitae), Labcorp
Classification: Likely benign for Hereditary nonpolyposis colorectal neoplasms. Last evaluated: 2025-12-28. Review status: criteria provided, single submitter. Criteria: Invitae Variant Classification Sherloc (09022015). Collection method: clinical testing. Allele origin: germline.

Quest Diagnostics Nichols Institute San Juan Capistrano
Classification: Benign. Last evaluated: 2025-09-17. Review status: criteria provided, single submitter. Criteria: Quest Diagnostics criteria. Collection method: clinical testing. Allele origin: unknown.

Myriad Genetics, Inc.
Classification: Benign for Lynch syndrome 4. Last evaluated: 2025-01-31. Review status: criteria provided, single submitter. Criteria: Myriad Autosomal Dominant, Autosomal Recessive and X-Linked Classification Criteria (2023). Collection method: clinical testing. Allele origin: unknown.
Comment: This variant is considered benign. This variant is a silent/synonymous amino acid change and it is not expected to impact splicing.

Blueprint Genetics
Classification: Likely benign. Last evaluated: 2024-11-18. Review status: criteria provided, single submitter. Criteria: ACMG Guidelines, 2015. Collection method: clinical testing. Allele origin: germline.

Ambry Genetics
Classification: Likely benign for Hereditary cancer-predisposing syndrome. Last evaluated: 2024-03-07. Review status: criteria provided, single submitter. Criteria: Ambry Variant Classification Scheme 2023. Collection method: clinical testing. Allele origin: germline.

All of Us Research Program, National Institutes of Health
Classification: Likely benign for Lynch syndrome. Last evaluated: 2023-12-01. Review status: criteria provided, single submitter. Criteria: ACMG Guidelines, 2015. Collection method: clinical testing. Allele origin: germline. Inheritance: Autosomal dominant inheritance. Observed: 21 variant alleles, 21 heterozygotes.
Comment: This study involves interpretation of variants in research participants for the purpose of population health screening. Participant phenotype was not available at the time of variant classification. Additional details can be found in publication PMID: 35346344, PMCID: PMC8962531

Institute for Biomarker Research, Medical Diagnostic Laboratories, L.L.C.
Classification: Benign for Hereditary cancer-predisposing syndrome. Last evaluated: 2023-11-21. Review status: criteria provided, single submitter. Criteria: ACMG Guidelines, 2015. Collection method: clinical testing. Allele origin: germline.

Sema4
Classification: Likely benign for Hereditary cancer-predisposing syndrome. Last evaluated: 2021-06-25. Review status: criteria provided, single submitter. Criteria: Sema4 Curation Guidelines. Collection method: curation. Allele origin: germline.

Illumina Laboratory Services, Illumina
Classification: Likely benign for Lynch syndrome 4. Last evaluated: 2017-04-27. Review status: criteria provided, single submitter. Criteria: ICSL Variant Classification Criteria 13 December 2019. Collection method: clinical testing. Allele origin: germline.
Comment: This variant was observed as part of a predisposition screen in an ostensibly healthy population. A literature search was performed for the gene, cDNA change, and amino acid change (where applicable). No publications were found based on this search. Allele frequency data from public databases allowed determination this variant is unlikely to cause disease. Therefore, this variant is classified as likely benign.

Color Diagnostics, LLC DBA Color Health
Classification: Likely benign for Hereditary cancer-predisposing syndrome. Last evaluated: 2015-04-10. Review status: criteria provided, single submitter. Criteria: ACMG Guidelines, 2015. Collection method: clinical testing. Allele origin: germline.

Breakthrough Genomics
Classification: Likely benign. Review status: criteria provided, single submitter. Criteria: ACMG Guidelines, 2015. Collection method: not provided. Allele origin: germline. Inheritance: Autosomal recessive inheritance. Affected: yes.

NM_000535.7(PMS2):c.1689A>G (p.Arg563=)

Gene: PMS2 (PMS1 homolog 2, mismatch repair system component; minus strand). Cytogenetic location: 7p22.1.
Variant type: single nucleotide variant.
Coding change: c.1689A>G on transcript NM_000535.7 (MANE Select); coding-DNA position 1689, A replaced by G.
Protein change: p.Arg563=; no amino-acid change (arginine 563 retained).
Molecular consequence: synonymous variant. On other transcripts: non-coding transcript variant (1).
Genome position (GRCh38, 1-based): chr7:5,987,076, T>C on the plus strand (A>G on the coding strand, the complement: PMS2 is on the minus strand). VCF-style: chr7-5987076-T-C. GRCh37 (hg19) VCF-style: chr7-6026707-T-C.
Other names: c.1284A>G, p.Arg428= (NM_001322003.2, NM_001322004.2, NM_001322005.2 and 1 more transcripts); c.1533A>G, p.Arg511= (NM_001322006.2); c.1371A>G, p.Arg457= (NM_001322007.2, NM_001322008.2); c.1128A>G, p.Arg376= (NM_001322010.2); c.756A>G, p.Arg252= (NM_001322011.2, NM_001322012.2); c.1116A>G, p.Arg372= (NM_001322013.2); c.1689A>G, p.Arg563= (NM_001322014.2); c.1380A>G, p.Arg460= (NM_001322015.2).
Identifiers: ClinVar variation 455668 (VCV000455668.55), dbSNP rs551226281, ClinGen allele CA045181.